The following is an entry in ClinVar:

NM_001852.4(COL9A2):c.1870+9T>C

Gene: COL9A2 (collagen type IX alpha 2 chain; minus strand). Cytogenetic location: 1p34.2.
Variant type: single nucleotide variant.
Coding change: c.1870+9T>C on transcript NM_001852.4 (MANE Select); 9 bases into the intron after coding-DNA position 1870, T replaced by C.
Molecular consequence: intron variant.
Genome position (GRCh38, 1-based): chr1:40,301,803, A>G on the plus strand (T>C on the coding strand, the complement: COL9A2 is on the minus strand). VCF-style: chr1-40301803-A-G. GRCh37 (hg19) VCF-style: chr1-40767475-A-G.
Identifiers: ClinVar variation 297290 (VCV000297290.22), dbSNP rs139929272, ClinGen allele CA791300.

ClinVar aggregate classification (germline): Benign/Likely benign. Review status: criteria provided, multiple submitters, no conflicts (2 of 4 stars). 8 submissions from 8 submitters: Benign (3); Likely benign (5). Last evaluated 2026-05-12.

Conditions:
Connective tissue disorder. Also called: Connective tissue disease. Identifiers: MedGen C0009782, MONDO:0003900.
Epiphyseal dysplasia, multiple, 2 (EDM2). Also called: COL9A2-Related Multiple Epiphyseal Dysplasia. Identifiers: MedGen C1838429, MONDO:0010844, OMIM 600204.

Allele frequency attached by ClinVar (database versions not stated): gnomAD exomes 0.00036 and 0.00089; ExAC 0.00124; 1000 Genomes Project 0.00339; 1000 Genomes Project 30x 0.00359; gnomAD 0.00389 and 0.00406; ESP Exome Variant Server 0.00408; TOPMed 0.00427.
gnomAD v4.1: 1,160 of 1,613,776 alleles (0.072%); highest among the groups gnomAD compares: African/African-American, 1.3%; 10 homozygotes.

Submissions (8):

Women's Health and Genetics/Laboratory Corporation of America, LabCorp
Classification: Likely benign. Last evaluated: 2026-05-12. Review status: criteria provided, single submitter. Criteria: LabCorp Variant Classification Summary - May 2015. Collection method: clinical testing. Allele origin: germline.

Labcorp Genetics (formerly Invitae), Labcorp
Classification: Benign. Last evaluated: 2026-02-02. Review status: criteria provided, single submitter. Criteria: Invitae Variant Classification Sherloc (09022015). Collection method: clinical testing. Allele origin: germline.

Blueprint Genetics
Classification: Likely benign. Last evaluated: 2024-11-14. Review status: criteria provided, single submitter. Criteria: ACMG Guidelines, 2015. Collection method: clinical testing. Allele origin: germline.

Genome Diagnostics Laboratory, The Hospital for Sick Children
Classification: Likely benign for Connective tissue disorder. Last evaluated: 2019-08-01. Review status: criteria provided, single submitter. Criteria: ACMG Guidelines, 2015. Collection method: clinical testing. Allele origin: germline.

Athena Diagnostics
Classification: Benign. Last evaluated: 2019-02-15. Review status: criteria provided, single submitter. Criteria: Athena Diagnostics Criteria. Collection method: clinical testing. Allele origin: germline.

GeneDx
Classification: Likely benign. Last evaluated: 2018-02-12. Review status: criteria provided, single submitter. Criteria: GeneDx Variant Classification (06012015). Collection method: clinical testing. Allele origin: germline. Affected: yes.
Comment: This variant is considered likely benign or benign based on one or more of the following criteria: it is a conservative change, it occurs at a poorly conserved position in the protein, it is predicted to be benign by multiple in silico algorithms, and/or has population frequency not consistent with disease.

Illumina Laboratory Services, Illumina
Classification: Benign for Epiphyseal dysplasia, multiple, 2. Last evaluated: 2018-01-13. Review status: criteria provided, single submitter. Criteria: ICSL Variant Classification Criteria 13 December 2019. Collection method: clinical testing. Allele origin: germline.
Comment: This variant was observed in the ICSL laboratory as part of a predisposition screen in an ostensibly healthy population. It had not been previously curated by ICSL or reported in the Human Gene Mutation Database (HGMD: prior to June 1st, 2018), and was therefore a candidate for classification through an automated scoring system. Utilizing variant allele frequency, disease prevalence and penetrance estimates, and inheritance mode, an automated score was calculated to assess if this variant is too frequent to cause the disease. Based on the score and internal cut-off values, a variant classified as benign is not then subjected to further curation. The score for this variant resulted in a classification of benign for this disease.

Breakthrough Genomics
Classification: Likely benign. Review status: criteria provided, single submitter. Criteria: ACMG Guidelines, 2015. Collection method: not provided. Allele origin: germline. Inheritance: Autosomal recessive inheritance. Affected: yes.